The following is an entry in ClinVar:

ClinVar aggregate classification (germline): Uncertain significance. Review status: criteria provided, multiple submitters, no conflicts (2 of 4 stars). 2 submissions from 2 submitters: Uncertain significance (2). Last evaluated 2025-09-01.

Conditions:
Hereditary cancer-predisposing syndrome. Also called: Hereditary Cancer Syndrome; Hereditary neoplastic syndrome; Tumor predisposition; Neoplastic Syndromes, Hereditary. Identifiers: Orphanet 140162, MedGen C0027672, MeSH D009386, MONDO:0015356.
Cardiovascular phenotype. Identifiers: MedGen CN230736.

Allele frequency attached by ClinVar (database versions not stated): gnomAD exomes below 0.00001; TOPMed below 0.00001.
gnomAD v4.1: 3 of 1,610,526 alleles (0.00019%); highest among the groups gnomAD compares: Middle Eastern, 0.017%; no homozygotes.

Submissions (2):

Ambry Genetics
Classification: Uncertain significance for Cardiovascular phenotype; Hereditary cancer-predisposing syndrome. Last evaluated: 2025-09-01. Review status: criteria provided, single submitter. Criteria: Ambry Variant Classification Scheme 2023. Collection method: clinical testing. Allele origin: germline.

Labcorp Genetics (formerly Invitae), Labcorp
Classification: Uncertain significance. Last evaluated: 2025-02-11. Review status: criteria provided, single submitter. Criteria: Invitae Variant Classification Sherloc (09022015). Collection method: clinical testing. Allele origin: germline.
Comment: This sequence change replaces aspartic acid, which is acidic and polar, with asparagine, which is neutral and polar, at codon 839 of the LZTR1 protein (p.Asp839Asn). This variant is not present in population databases (gnomAD no frequency). This variant has not been reported in the literature in individuals affected with LZTR1-related conditions. ClinVar contains an entry for this variant (Variation ID: 1792460). Invitae Evidence Modeling of protein sequence and biophysical properties (such as structural, functional, and spatial information, amino acid conservation, physicochemical variation, residue mobility, and thermodynamic stability) indicates that this missense variant is not expected to disrupt LZTR1 protein function with a negative predictive value of 80%. In summary, the available evidence is currently insufficient to determine the role of this variant in disease. Therefore, it has been classified as a Variant of Uncertain Significance.

NM_006767.4(LZTR1):c.2515G>A (p.Asp839Asn)

Gene: LZTR1 (leucine zipper like post translational regulator 1; plus strand). Cytogenetic location: 22q11.21.
Variant type: single nucleotide variant.
Coding change: c.2515G>A on transcript NM_006767.4 (MANE Select); coding-DNA position 2515, G replaced by A.
Protein change: p.Asp839Asn; replaces aspartic acid 839 with asparagine.
Molecular consequence: missense variant.
Genome position (GRCh38, 1-based): chr22:20,997,340, G>A. VCF-style: chr22-20997340-G-A. GRCh37 (hg19) VCF-style: chr22-21351629-G-A.
Other names: short protein forms D839N.
Identifiers: ClinVar variation 1792460 (VCV001792460.8), dbSNP rs1924905494, ClinGen allele CA410782002.